The following is an entry in ClinVar:

NM_000298.6(PKLR):c.1012G>A (p.Gly338Arg)

Gene: PKLR (pyruvate kinase L/R; minus strand). Cytogenetic location: 1q22.
Variant type: single nucleotide variant.
Coding change: c.1012G>A on transcript NM_000298.6 (MANE Select); coding-DNA position 1012, G replaced by A.
Protein change: p.Gly338Arg; replaces glycine 338 with arginine.
Molecular consequence: missense variant.
Genome position (GRCh38, 1-based): chr1:155,294,339, C>T on the plus strand (G>A on the coding strand, the complement: PKLR is on the minus strand). VCF-style: chr1-155294339-C-T. GRCh37 (hg19) VCF-style: chr1-155264130-C-T.
Other names: c.919G>A, p.Gly307Arg (NM_181871.4); short protein forms G307R, G338R.
Identifiers: ClinVar variation 4744802 (VCV004744802.1).

ClinVar aggregate classification (germline): Uncertain significance (1 of 4 stars; one submission).

Submission:

Labcorp Genetics (formerly Invitae), Labcorp
Classification: Uncertain significance. Last evaluated: 2025-11-24. Review status: criteria provided, single submitter. Criteria: Invitae Variant Classification Sherloc (09022015). Collection method: clinical testing. Allele origin: germline.
Comment: This sequence change replaces glycine, which is neutral and non-polar, with arginine, which is basic and polar, at codon 338 of the PKLR protein (p.Gly338Arg). This variant is not present in population databases (gnomAD no frequency). This variant has not been reported in the literature in individuals affected with PKLR-related conditions. Invitae Evidence Modeling of protein sequence and biophysical properties (such as structural, functional, and spatial information, amino acid conservation, physicochemical variation, residue mobility, and thermodynamic stability) indicates that this missense variant is expected to disrupt PKLR protein function with a positive predictive value of 80%. In summary, the available evidence is currently insufficient to determine the role of this variant in disease. Therefore, it has been classified as a Variant of Uncertain Significance.